The following is an entry in ClinVar:

ClinVar aggregate classification (germline): Uncertain significance (0 of 4 stars; one submission).

Conditions:
PCNT-related disorder. Also called: PCNT-related condition.

gnomAD v4.1: 13 of 1,611,658 alleles (0.00081%); highest among the groups gnomAD compares: South Asian, 0.0055%; no homozygotes.

Submission:

PreventionGenetics, part of Exact Sciences
Classification: Uncertain significance for PCNT-related condition. Last evaluated: 2024-08-20. Review status: no assertion criteria provided. Collection method: clinical testing. Allele origin: germline.
Comment: The PCNT c.9746C>A variant is predicted to result in the amino acid substitution p.Ser3249Tyr. To our knowledge, this variant has not been reported in the literature. This variant is reported in 0.0033% of alleles in individuals of South Asian descent in gnomAD. At this time, the clinical significance of this variant is uncertain due to the absence of conclusive functional and genetic evidence.

NM_006031.6(PCNT):c.9746C>A (p.Ser3249Tyr)

Gene: PCNT (pericentrin; plus strand). Cytogenetic location: 21q22.3.
Variant type: single nucleotide variant.
Coding change: c.9746C>A on transcript NM_006031.6 (MANE Select); coding-DNA position 9746, C replaced by A.
Protein change: p.Ser3249Tyr; replaces serine 3249 with tyrosine.
Molecular consequence: missense variant.
Genome position (GRCh38, 1-based): chr21:46,443,855, C>A. VCF-style: chr21-46443855-C-A. GRCh37 (hg19) VCF-style: chr21-47863768-C-A.
Other names: c.9155C>A, p.Ser3052Tyr (NM_001315529.2); short protein forms S3052Y, S3249Y.
Identifiers: ClinVar variation 3354535 (VCV003354535.1).